The following is an entry in ClinVar:

NM_001182.5(ALDH7A1):c.1553G>C (p.Arg518Thr)

Gene: ALDH7A1 (aldehyde dehydrogenase 7 family member A1; minus strand). Cytogenetic location: 5q23.2.
Variant type: single nucleotide variant.
Coding change: c.1553G>C on transcript NM_001182.5 (MANE Select); coding-DNA position 1553, G replaced by C.
Protein change: p.Arg518Thr; replaces arginine 518 with threonine.
Molecular consequence: missense variant.
Genome position (GRCh38, 1-based): chr5:126,546,336, C>G on the plus strand (G>C on the coding strand, the complement: ALDH7A1 is on the minus strand). VCF-style: chr5-126546336-C-G. GRCh37 (hg19) VCF-style: chr5-125882028-C-G.
Other names: c.1469G>C, p.Arg490Thr (NM_001201377.2); c.1361G>C, p.Arg454Thr (NM_001202404.2); short protein forms R490T, R518T, R454T.
Identifiers: ClinVar variation 2734771 (VCV002734771.5), dbSNP rs749231711, ClinGen allele CA3389373.
Genomic context (GRCh38, chr5:126,546,336, plus strand): 5'-TCCCAAGGGTTTTAAGCCCAAACCTATCTTCCCAAAGCCTTTTCTTACCAAGTAGACCTT[C>G]TCATGTACTGTTTCCAGGCATCACTGCCAGACTCCCTGCCACCACCAGTGTGCTTTTCTC-3'
Protein context (NP_001173.2, residues 508-528): SGSDAWKQYM[Arg518Thr]RSTCTINYSK

ClinVar aggregate classification (germline): Pathogenic/Likely pathogenic. Review status: criteria provided, multiple submitters, no conflicts (2 of 4 stars). 3 submissions from 3 submitters: Pathogenic (1); Likely pathogenic (2). Last evaluated 2024-04-19.

Conditions:
Pyridoxine-dependent epilepsy (EPEO4). Also called: Pyridoxine-Dependent Seizures; PYRIDOXINE DEPENDENCY WITH SEIZURES; EPILEPSY, EARLY-ONSET, 4, VITAMIN B6-DEPENDENT; Pyridoxine-Dependent Epilepsy - ALDH7A1. Identifiers: Orphanet 3006, MedGen C1849508, MONDO:0009945, OMIM 266100. Disease mechanism: loss of function.

Allele frequency attached by ClinVar (database versions not stated): TOPMed 0.00003.
gnomAD v4.1: 3 of 1,614,222 alleles (0.00019%); highest among the groups gnomAD compares: East Asian, 0.0045%; no homozygotes.

Submissions (3):

Fulgent Genetics
Classification: Likely pathogenic for Pyridoxine-dependent epilepsy. Last evaluated: 2024-04-19. Review status: criteria provided, single submitter. Criteria: ACMG Guidelines, 2015. Collection method: clinical testing. Allele origin: germline.

Women's Health and Genetics/Laboratory Corporation of America, LabCorp
Classification: Likely pathogenic for Pyridoxine-dependent epilepsy. Last evaluated: 2024-04-12. Review status: criteria provided, single submitter. Criteria: LabCorp Variant Classification Summary - May 2015. Collection method: clinical testing. Allele origin: germline.
Comment: Variant summary: ALDH7A1 c.1553G>C (p.Arg518Thr) results in a non-conservative amino acid change located in the Aldehyde dehydrogenase domain (IPR015590) of the encoded protein sequence. Five of five in-silico tools predict a damaging effect of the variant on protein function. The variant allele was found at a frequency of 1.2e-05 in 251424 control chromosomes. c.1553G>C has been reported in the literature as a compound heterozygous genotype in individuals affected with features of Pyridoxine-Dependent Epilepsy (example, Jiao_2020, Zhang_2015, Chuan_2022). These data indicate that the variant is likely to be associated with disease. To our knowledge, no experimental evidence demonstrating an impact on protein function has been reported. The following publications have been ascertained in the context of this evaluation (PMID: 35571021, 31737911, 26544041). ClinVar contains an entry for this variant (Variation ID: 2734771). Based on the evidence outlined above, the variant was classified as likely pathogenic.

Labcorp Genetics (formerly Invitae), Labcorp
Classification: Pathogenic for Pyridoxine-dependent epilepsy. Last evaluated: 2024-02-23. Review status: criteria provided, single submitter. Criteria: Invitae Variant Classification Sherloc (09022015). Collection method: clinical testing. Allele origin: germline.
Comment: This sequence change replaces arginine, which is basic and polar, with threonine, which is neutral and polar, at codon 518 of the ALDH7A1 protein (p.Arg518Thr). This variant is present in population databases (rs749231711, gnomAD 0.01%). This missense change has been observed in individual(s) with pyridoxine-dependent epilepsy (PMID: 26544041, 31737911). In at least one individual the data is consistent with being in trans (on the opposite chromosome) from a pathogenic variant. Advanced modeling of protein sequence and biophysical properties (such as structural, functional, and spatial information, amino acid conservation, physicochemical variation, residue mobility, and thermodynamic stability) has been performed at Invitae for this missense variant, however the output from this modeling did not meet the statistical confidence thresholds required to predict the impact of this variant on ALDH7A1 protein function. For these reasons, this variant has been classified as Pathogenic.

Literature cited by the submitters: PubMed 31737911 (cited by Women's Health and Genetics/Laboratory Corporation of America, LabCorp and Labcorp Genetics (formerly Invitae), Labcorp); PubMed 35571021 (cited by Women's Health and Genetics/Laboratory Corporation of America, LabCorp); PubMed 26544041 (cited by Women's Health and Genetics/Laboratory Corporation of America, LabCorp and Labcorp Genetics (formerly Invitae), Labcorp).